The following is an entry in ClinVar:

ClinVar aggregate classification (germline): Uncertain significance (1 of 4 stars; one submission).

Conditions:
Multiple congenital exostosis (EXT). Also called: Hereditary multiple osteochondromas; Multiple exostoses; Multiple osteochondromas; Hereditary multiple exostoses; Hereditary multiple exostosis; MULTIPLE CARTILAGINOUS EXOSTOSES. Identifiers: Orphanet 321, MedGen C0015306, MONDO:0005508, HP:0002762.

Allele frequency attached by ClinVar (database versions not stated): gnomAD exomes below 0.00001.
gnomAD v4.1: 1 of 1,614,020 alleles (0.000062%); no homozygotes.

Submission:

Labcorp Genetics (formerly Invitae), Labcorp
Classification: Uncertain significance for Multiple congenital exostosis. Last evaluated: 2023-04-15. Review status: criteria provided, single submitter. Criteria: Invitae Variant Classification Sherloc (09022015). Collection method: clinical testing. Allele origin: germline.
Comment: This variant is not present in population databases (gnomAD no frequency). This variant has not been reported in the literature in individuals affected with EXT1-related conditions. Advanced modeling of protein sequence and biophysical properties (such as structural, functional, and spatial information, amino acid conservation, physicochemical variation, residue mobility, and thermodynamic stability) performed at Invitae indicates that this missense variant is expected to disrupt EXT1 protein function. In summary, the available evidence is currently insufficient to determine the role of this variant in disease. Therefore, it has been classified as a Variant of Uncertain Significance. This sequence change replaces tyrosine, which is neutral and polar, with cysteine, which is neutral and slightly polar, at codon 415 of the EXT1 protein (p.Tyr415Cys).

NM_000127.3(EXT1):c.1244A>G (p.Tyr415Cys)

Gene: EXT1 (exostosin glycosyltransferase 1; minus strand). Cytogenetic location: 8q24.11.
Variant type: single nucleotide variant.
Coding change: c.1244A>G on transcript NM_000127.3 (MANE Select); coding-DNA position 1244, A replaced by G.
Protein change: p.Tyr415Cys; replaces tyrosine 415 with cysteine.
Molecular consequence: missense variant.
Genome position (GRCh38, 1-based): chr8:117,830,270, T>C on the plus strand (A>G on the coding strand, the complement: EXT1 is on the minus strand). VCF-style: chr8-117830270-T-C. GRCh37 (hg19) VCF-style: chr8-118842509-T-C.
Other names: short protein forms Y415C.
Identifiers: ClinVar variation 2867735 (VCV002867735.3), dbSNP rs1812076539, ClinGen allele CA371890274.
Genomic context (GRCh38, chr8:117,830,270, plus strand): 5'-AGCCAAGTGGTCTCACTTACCTCTAGTGTAGTTAATACAATCTTCTCAACTGAAGAAAAA[T>C]AAGCCTCCCACAAGAATTGTGTCTGCTGTCTAAGTGCTAGGATTTTATCCTGATGAATAG-3'
Protein context (NP_000118.2, residues 405-425): RQQTQFLWEA[Tyr415Cys]FSSVEKIVLT